The following is an entry in ClinVar:

ClinVar aggregate classification (germline): Uncertain significance (1 of 4 stars; one submission).

Submission:

GeneDx
Classification: Uncertain significance. Last evaluated: 2025-02-25. Review status: criteria provided, single submitter. Criteria: GeneDx Variant Classification Process June 2021. Collection method: clinical testing. Allele origin: germline. Affected: yes.
Comment: Not observed at significant frequency in large population cohorts (gnomAD); In silico analysis indicates that this missense variant does not alter protein structure/function; Has not been previously published as pathogenic or benign to our knowledge

NM_013275.6(ANKRD11):c.3478G>A (p.Ala1160Thr)

Gene: ANKRD11 (ankyrin repeat domain containing 11; minus strand). Cytogenetic location: 16q24.3.
Variant type: single nucleotide variant.
Coding change: c.3478G>A on transcript NM_013275.6 (MANE Select); coding-DNA position 3478, G replaced by A.
Protein change: p.Ala1160Thr; replaces alanine 1160 with threonine.
Molecular consequence: missense variant.
Genome position (GRCh38, 1-based): chr16:89,283,064, C>T on the plus strand (G>A on the coding strand, the complement: ANKRD11 is on the minus strand). VCF-style: chr16-89283064-C-T. GRCh37 (hg19) VCF-style: chr16-89349472-C-T.
Other names: c.3478G>A, p.Ala1160Thr (NM_001256182.2, NM_001256183.2); short protein forms A1160T.
Identifiers: ClinVar variation 4076930 (VCV004076930.1).